The following is an entry in ClinVar:

NM_000051.4(ATM):c.4730C>G (p.Thr1577Ser)

Gene: ATM (ATM serine/threonine kinase; plus strand). Cytogenetic location: 11q22.3.
Variant type: single nucleotide variant.
Coding change: c.4730C>G on transcript NM_000051.4 (MANE Select); coding-DNA position 4730, C replaced by G.
Protein change: p.Thr1577Ser; replaces threonine 1577 with serine.
Molecular consequence: missense variant.
Genome position (GRCh38, 1-based): chr11:108,293,431, C>G. VCF-style: chr11-108293431-C-G. GRCh37 (hg19) VCF-style: chr11-108164158-C-G.
Other names: c.4730C>G, p.Thr1577Ser (NM_001351834.2); short protein forms T1577S.
Identifiers: ClinVar variation 1742718 (VCV001742718.2), dbSNP rs2135812963, ClinGen allele CA382535007.

ClinVar aggregate classification (germline): Uncertain significance (1 of 4 stars; one submission).

Conditions:
Hereditary cancer-predisposing syndrome. Also called: Hereditary Cancer Syndrome; Hereditary neoplastic syndrome; Neoplastic Syndromes, Hereditary; Tumor predisposition. Identifiers: Orphanet 140162, MedGen C0027672, MeSH D009386, MONDO:0015356.

Submission:

Ambry Genetics
Classification: Uncertain significance for Hereditary cancer-predisposing syndrome. Last evaluated: 2022-09-12. Review status: criteria provided, single submitter. Criteria: Ambry Variant Classification Scheme 2023. Collection method: clinical testing. Allele origin: germline.
Comment: The p.T1577S variant (also known as c.4730C>G), located in coding exon 30 of the ATM gene, results from a C to G substitution at nucleotide position 4730. The threonine at codon 1577 is replaced by serine, an amino acid with similar properties. This amino acid position is conserved. In addition, this alteration is predicted to be tolerated by in silico analysis. Since supporting evidence is limited at this time, the clinical significance of this alteration remains unclear.